The following is an entry in ClinVar:

NM_002299.4(LCT):c.1617C>T (p.Thr539=)

Genes: LCT (lactase; minus strand), LOC126806353 (BRD4-independent group 4 enhancer GRCh37_chr2:136574960-136576159; plus strand). Cytogenetic location: 2q21.3.
Variant type: single nucleotide variant.
Coding change: c.1617C>T on transcript NM_002299.4 (MANE Select); coding-DNA position 1617, C replaced by T.
Protein change: p.Thr539=; no amino-acid change (threonine 539 retained).
Molecular consequence: synonymous variant.
Genome position (GRCh38, 1-based): chr2:135,817,431, G>A on the plus strand (C>T on the coding strand, the complement: LCT is on the minus strand). VCF-style: chr2-135817431-G-A. GRCh37 (hg19) VCF-style: chr2-136575001-G-A.
Identifiers: ClinVar variation 894499 (VCV000894499.12), dbSNP rs35476200, ClinGen allele CA1888370.

ClinVar aggregate classification (germline): Benign/Likely benign. Review status: criteria provided, multiple submitters, no conflicts (2 of 4 stars). 3 submissions from 3 submitters: Benign (1); Likely benign (2). Last evaluated 2026-01-18.

Conditions:
Congenital lactase deficiency. Also called: ALACTASIA, CONGENITAL; DISACCHARIDE INTOLERANCE II. Identifiers: Orphanet 53690, MedGen C0268179, MONDO:0009115, OMIM 223000.

Allele frequency attached by ClinVar (database versions not stated): ExAC 0.00083; 1000 Genomes Project 0.00180; 1000 Genomes Project 30x 0.00203; gnomAD 0.00261 and 0.00281; TOPMed 0.00289; ESP Exome Variant Server 0.00292.
gnomAD v4.1: 746 of 1,614,136 alleles (0.046%); highest among the groups gnomAD compares: African/African-American, 0.87%; 3 homozygotes.

Submissions (3):

Labcorp Genetics (formerly Invitae), Labcorp
Classification: Benign. Last evaluated: 2026-01-18. Review status: criteria provided, single submitter. Criteria: Invitae Variant Classification Sherloc (09022015). Collection method: clinical testing. Allele origin: germline.

Blueprint Genetics
Classification: Likely benign. Last evaluated: 2024-06-05. Review status: criteria provided, single submitter. Criteria: ACMG Guidelines, 2015. Collection method: clinical testing. Allele origin: germline.

Illumina Laboratory Services, Illumina
Classification: Likely benign for Congenital lactase deficiency. Last evaluated: 2018-01-13. Review status: criteria provided, single submitter. Criteria: ICSL Variant Classification Criteria 13 December 2019. Collection method: clinical testing. Allele origin: germline.
Comment: This variant was observed in the ICSL laboratory as part of a predisposition screen in an ostensibly healthy population. It had not been previously curated by ICSL or reported in the Human Gene Mutation Database (HGMD: prior to June 1st, 2018), and was therefore a candidate for classification through an automated scoring system. Utilizing variant allele frequency, disease prevalence and penetrance estimates, and inheritance mode, an automated score was calculated to assess if this variant is too frequent to cause the disease. Based on the score and internal cut-off values, a variant classified as likely benign is not then subjected to further curation. The score for this variant resulted in a classification of likely benign for this disease.